The following is an entry in ClinVar:

NM_003238.6(TGFB2):c.475G>A (p.Ala159Thr)

Gene: TGFB2 (transforming growth factor beta 2; plus strand). Cytogenetic location: 1q41.
Variant type: single nucleotide variant.
Coding change: c.475G>A on transcript NM_003238.6 (MANE Select); coding-DNA position 475, G replaced by A.
Protein change: p.Ala159Thr; replaces alanine 159 with threonine.
Molecular consequence: missense variant. On other transcripts: non-coding transcript variant (2).
Genome position (GRCh38, 1-based): chr1:218,405,297, G>A. VCF-style: chr1-218405297-G-A. GRCh37 (hg19) VCF-style: chr1-218578639-G-A.
Other names: c.559G>A, p.Ala187Thr (NM_001135599.4); short protein forms A159T, A187T.
Identifiers: ClinVar variation 2452020 (VCV002452020.2), dbSNP rs1658872389, ClinGen allele CA344726325.

ClinVar aggregate classification (germline): Uncertain significance (1 of 4 stars; one submission).

Conditions:
Familial thoracic aortic aneurysm and aortic dissection (TAAD). Also called: Thoracic aortic aneurysms and dissections. Identifiers: Orphanet 91387, MedGen C4707243, MONDO:0019625.

Allele frequency attached by ClinVar (database versions not stated): TOPMed below 0.00001.

Submission:

Ambry Genetics
Classification: Uncertain significance for Familial thoracic aortic aneurysm and aortic dissection. Last evaluated: 2022-12-29. Review status: criteria provided, single submitter. Criteria: Ambry Variant Classification Scheme 2023. Collection method: clinical testing. Allele origin: germline.
Comment: The p.A159T variant (also known as c.475G>A), located in coding exon 2 of the TGFB2 gene, results from a G to A substitution at nucleotide position 475. The alanine at codon 159 is replaced by threonine, an amino acid with similar properties. This amino acid position is conserved. In addition, this alteration is predicted to be tolerated by in silico analysis. Since supporting evidence is limited at this time, the clinical significance of this alteration remains unclear.